The following is an entry in ClinVar:

NM_001287491.2(TET3):c.881_882delinsCA (p.Val294Ala)

Gene: TET3 (tet methylcytosine dioxygenase 3; plus strand). Cytogenetic location: 2p13.1.
Variant type: Indel.
Coding change: c.881_882delinsCA on transcript NM_001287491.2 (MANE Select); coding-DNA positions 881 to 882, TC replaced by CA.
Protein change: p.Val294Ala; replaces valine 294 with alanine.
Molecular consequence: missense variant.
Genome position (GRCh38, 1-based): chr2:74,046,798-74,046,799, TC replaced by CA. VCF-style: chr2-74046798-TC-CA. GRCh37 (hg19) VCF-style: chr2-74273925-TC-CA.
Other names: c.602_603delinsCA, p.Val201Ala (NM_001366022.1); short protein forms V201A, V294A.
Identifiers: ClinVar variation 3364502 (VCV003364502.2).
Genomic context (GRCh38, chr2:74,046,798, plus strand): 5'-GCGATGGCCCAGAATGCCCTGACTACCTCGAGTGGCTGGAGGGGAAGATCAAGTCTGTGG[TC>CA]ATGGAAGGAGGGGAGGAGCGGCCCAGGCTCCCAGGGCCTCTGCCTCCTGGTGAGGCCGGC-3'
Protein context (NP_001274420.1, residues 284-304): EWLEGKIKSV[Val294Ala]MEGGEERPRL

ClinVar aggregate classification (germline): Uncertain significance (1 of 4 stars; one submission).

Submission:

GeneDx
Classification: Uncertain significance. Last evaluated: 2025-10-11. Review status: criteria provided, single submitter. Criteria: GeneDx Variant Classification Process June 2021. Collection method: clinical testing. Allele origin: germline.
Comment: In silico analysis suggests that this variant does not alter protein structure/function; Has not been previously published as pathogenic or benign to our knowledge